The following is an entry in ClinVar:

ClinVar aggregate classification (germline): Benign/Likely benign. Review status: criteria provided, multiple submitters, no conflicts (2 of 4 stars). 3 submissions from 3 submitters: Benign (1); Likely benign (2). Last evaluated 2026-06-11.

Conditions:
Inborn genetic diseases. Identifiers: MedGen C0950123, MeSH D030342.
Tumor predisposition syndrome 2 (TPDS2). Also called: MBD4-ASSOCIATED NEOPLASIA SYNDROME; MBD4-Related Tumor Predisposition Syndrome; MBD4-associated neoplasia syndrome (MANS). Identifiers: Orphanet 661526, MedGen C5774186, MONDO:0859267, OMIM 619975.

gnomAD v4.1: 1 of 1,613,596 alleles (0.000062%); highest among the groups gnomAD compares: Non-Finnish European, 0.000085%; no homozygotes.

Submissions (3):

Myriad Genetics, Inc.
Classification: Benign for Tumor predisposition syndrome 2. Last evaluated: 2026-06-11. Review status: criteria provided, single submitter. Criteria: Myriad Autosomal Dominant, Autosomal Recessive and X-Linked Classification Criteria (2023). Collection method: clinical testing. Allele origin: unknown.
Comment: This variant is considered benign. This variant is a silent/synonymous amino acid change and it is not expected to impact splicing.

Labcorp Genetics (formerly Invitae), Labcorp
Classification: Likely benign. Last evaluated: 2025-08-30. Review status: criteria provided, single submitter. Criteria: Invitae Variant Classification Sherloc (09022015). Collection method: clinical testing. Allele origin: germline.

Ambry Genetics
Classification: Likely benign for Inborn genetic diseases. Last evaluated: 2025-04-14. Review status: criteria provided, single submitter. Criteria: Ambry Variant Classification Scheme 2023. Collection method: clinical testing. Allele origin: germline.

NM_001276270.2(MBD4):c.432T>C (p.Thr144=)

Gene: MBD4 (methyl-CpG binding domain 4, DNA glycosylase; minus strand). Cytogenetic location: 3q21.3.
Variant type: single nucleotide variant.
Coding change: c.432T>C on transcript NM_001276270.2 (MANE Select); coding-DNA position 432, T replaced by C.
Protein change: p.Thr144=; no amino-acid change (threonine 144 retained).
Molecular consequence: synonymous variant. On other transcripts: intron variant (1).
Genome position (GRCh38, 1-based): chr3:129,437,212, A>G on the plus strand (T>C on the coding strand, the complement: MBD4 is on the minus strand). VCF-style: chr3-129437212-A-G. GRCh37 (hg19) VCF-style: chr3-129156055-A-G.
Other names: c.432T>C, p.Thr144= (NM_001276271.2, NM_001276272.2, NM_003925.3); c.247+596T>C (NM_001276273.2).
Identifiers: ClinVar variation 3626108 (VCV003626108.4).